The following is an entry in ClinVar:

NM_032520.5(GNPTG):c.276C>G (p.His92Gln)

Gene: GNPTG (N-acetylglucosamine-1-phosphate transferase subunit gamma; plus strand). Cytogenetic location: 16p13.3.
Variant type: single nucleotide variant.
Coding change: c.276C>G on transcript NM_032520.5 (MANE Select); coding-DNA position 276, C replaced by G.
Protein change: p.His92Gln; replaces histidine 92 with glutamine.
Molecular consequence: missense variant.
Genome position (GRCh38, 1-based): chr16:1,361,914, C>G. VCF-style: chr16-1361914-C-G. GRCh37 (hg19) VCF-style: chr16-1411915-C-G.
Other names: short protein forms H92Q.
Identifiers: ClinVar variation 1005964 (VCV001005964.4), dbSNP rs201992413, ClinGen allele CA7807578.

ClinVar aggregate classification (germline): Uncertain significance. Review status: criteria provided, multiple submitters, no conflicts (2 of 4 stars). 3 submissions from 3 submitters: Uncertain significance (2). 1 of the submissions does not count toward it. Last evaluated 2022-05-16.

Conditions:
GNPTG-mucolipidosis. Also called: ML III GAMMA; ML IIIC; Mucolipidosis type III gamma; MUCOLIPIDOSIS III, COMPLEMENTATION GROUP C; MUCOLIPIDOSIS III, IRANIAN VARIANT FORM; MUCOLIPIDOSIS III, VARIANT FORM. Identifiers: Orphanet 423470, Orphanet 577, MedGen C1854896, MONDO:0009652, OMIM 252605.

Allele frequency attached by ClinVar (database versions not stated): ExAC 0.00003.

Submissions (3):

Labcorp Genetics (formerly Invitae), Labcorp
Classification: Uncertain significance. Last evaluated: 2022-05-16. Review status: criteria provided, single submitter. Criteria: Invitae Variant Classification Sherloc (09022015). Collection method: clinical testing. Allele origin: germline.
Comment: This sequence change replaces histidine, which is basic and polar, with glutamine, which is neutral and polar, at codon 92 of the GNPTG protein (p.His92Gln). This variant is present in population databases (rs201992413, gnomAD 0.004%). This variant has not been reported in the literature in individuals affected with GNPTG-related conditions. ClinVar contains an entry for this variant (Variation ID: 1005964). Algorithms developed to predict the effect of missense changes on protein structure and function are either unavailable or do not agree on the potential impact of this missense change (SIFT: "Tolerated"; PolyPhen-2: "Probably Damaging"; Align-GVGD: "Class C0"). Algorithms developed to predict the effect of sequence changes on RNA splicing suggest that this variant may create or strengthen a splice site. In summary, the available evidence is currently insufficient to determine the role of this variant in disease. Therefore, it has been classified as a Variant of Uncertain Significance.

Fulgent Genetics
Classification: Uncertain significance for GNPTG-mucolipidosis. Last evaluated: 2022-02-11. Review status: criteria provided, single submitter. Criteria: ACMG Guidelines, 2015. Collection method: clinical testing. Allele origin: unknown.

Natera, Inc.
Classification: Uncertain significance for Mucolipidosis III gamma. Last evaluated: 2021-03-03. Review status: no assertion criteria provided. Collection method: clinical testing. Allele origin: germline. Not counted in ClinVar's aggregate classification.